The following is an entry in ClinVar:

NM_001367624.2(ZNF469):c.11317C>T (p.Arg3773Trp)

Gene: ZNF469 (zinc finger protein 469; plus strand). Cytogenetic location: 16q24.2.
Variant type: single nucleotide variant.
Coding change: c.11317C>T on transcript NM_001367624.2 (MANE Select); coding-DNA position 11317, C replaced by T.
Protein change: p.Arg3773Trp; replaces arginine 3773 with tryptophan.
Molecular consequence: missense variant.
Genome position (GRCh38, 1-based): chr16:88,438,787, C>T. VCF-style: chr16-88438787-C-T. GRCh37 (hg19) VCF-style: chr16-88505195-C-T.
Other names: NM_001127464.1:c.11233C>T; short protein forms R3773W.
Identifiers: ClinVar variation 1207742 (VCV001207742.6), dbSNP rs976249492, ClinGen allele CA286387879.
Genomic context (GRCh38, chr16:88,438,787, plus strand): 5'-GCCAGCGGGCAGCTCCAGAGCGAGACAGCCACCACCCCAGCCAAGCCCAGCTTCCCCAGC[C>T]GGAGCCCTGCACCAGAGAGGCTCCCCGCTCGAGCCCAAGCCAAGAGCTGCACCAAGGGGC-3'
Protein context (NP_001354553.1, residues 3763-3783): TTPAKPSFPS[Arg3773Trp]SPAPERLPAR

ClinVar aggregate classification (germline): Conflicting classifications of pathogenicity. Review status: criteria provided, conflicting classifications (1 of 4 stars). 3 submissions from 3 submitters: Uncertain significance (2); Likely benign (1). Last evaluated 2025-12-24.

Conditions:
Cardiovascular phenotype. Identifiers: MedGen CN230736.

Allele frequency attached by ClinVar (database versions not stated): gnomAD exomes 0.00006.
gnomAD v4.1: 43 of 1,550,080 alleles (0.0028%); highest among the groups gnomAD compares: East Asian, 0.017%; no homozygotes.

Submissions (3):

Women's Health and Genetics/Laboratory Corporation of America, LabCorp
Classification: Uncertain significance. Last evaluated: 2025-12-24. Review status: criteria provided, single submitter. Criteria: LabCorp Variant Classification Summary - May 2015. Collection method: clinical testing. Allele origin: germline.
Comment: Variant summary: ZNF469 c.11317C>T (p.Arg3773Trp) results in a non-conservative amino acid change in the encoded protein sequence. Algorithms developed to predict the effect of missense changes on protein structure and function are either unavailable or do not agree on the potential impact of this missense change. The variant allele was found at a frequency of 5.9e-05 in 151648 control chromosomes. The available data on variant occurrences in the general population are insufficient to allow any conclusion about variant significance. To our knowledge, no occurrence of c.11317C>T in individuals affected with ZNF469-related conditions and no experimental evidence demonstrating its impact on protein function have been reported. ClinVar contains an entry for this variant (Variation ID: 1207742). Based on the evidence outlined above, the variant was classified as uncertain significance.

Ambry Genetics
Classification: Likely benign for Cardiovascular phenotype. Last evaluated: 2023-12-12. Review status: criteria provided, single submitter. Criteria: Ambry Variant Classification Scheme 2023. Collection method: clinical testing. Allele origin: germline.

GeneDx
Classification: Uncertain significance. Last evaluated: 2020-01-03. Review status: criteria provided, single submitter. Criteria: GeneDx Variant Classification Process June 2021. Collection method: clinical testing. Allele origin: germline. Affected: yes.
Comment: In silico analysis, which includes protein predictors and evolutionary conservation, supports that this variant does not alter protein structure/function; Has not been previously published as pathogenic or benign to our knowledge